The following is an entry in ClinVar:

NM_005068.3(SIM1):c.1119C>T (p.Ser373=)

Genes: SIM1 (SIM bHLH transcription factor 1; minus strand), SIM1-AS1 (SIM1 antisense RNA 1; plus strand). Cytogenetic location: 6q16.3.
Variant type: single nucleotide variant.
Coding change: c.1119C>T on transcript NM_005068.3 (MANE Select); coding-DNA position 1119, C replaced by T.
Protein change: p.Ser373=; no amino-acid change (serine 373 retained).
Molecular consequence: synonymous variant.
Genome position (GRCh38, 1-based): chr6:100,420,838, G>A on the plus strand (C>T on the coding strand, the complement: SIM1 is on the minus strand). VCF-style: chr6-100420838-G-A. GRCh37 (hg19) VCF-style: chr6-100868714-G-A.
Other names: c.1119C>T, p.Ser373= (NM_001374769.1).
Identifiers: ClinVar variation 4986637 (VCV004986637.1).

ClinVar aggregate classification (germline): Likely benign (1 of 4 stars; one submission).

Conditions:
SIM1-related disorder. Also called: SIM1-related disorders; SIM1-related condition.

gnomAD v4.1: 1 of 1,614,104 alleles (0.000062%); highest among the groups gnomAD compares: Middle Eastern, 0.017%; no homozygotes.

Submission:

PreventionGenetics, part of Exact Sciences
Classification: Likely benign for SIM1-related condition. Last evaluated: 2026-07-02. Review status: criteria provided, single submitter. Criteria: ACMG Guidelines, 2015. Collection method: clinical testing. Allele origin: germline.
Comment: This variant is classified as likely benign based on ACMG/AMP sequence variant interpretation guidelines (Richards et al. 2015 PMID: 25741868, with internal and published modifications).